The following is an entry in ClinVar:

NM_004260.4(RECQL4):c.1259-10C>T

Gene: RECQL4 (RecQ like helicase 4; minus strand). Cytogenetic location: 8q24.3.
Variant type: single nucleotide variant.
Coding change: c.1259-10C>T on transcript NM_004260.4 (MANE Select); 10 bases into the intron before coding-DNA position 1259, C replaced by T.
Molecular consequence: intron variant.
Genome position (GRCh38, 1-based): chr8:144,515,467, G>A on the plus strand (C>T on the coding strand, the complement: RECQL4 is on the minus strand). VCF-style: chr8-144515467-G-A. GRCh37 (hg19) VCF-style: chr8-145740851-G-A.
Other names: c.1130-10C>T (NM_001413025.1); c.908-10C>T (NM_001413029.1); c.126-14C>T (NM_001413032.1, NM_001413027.1, NM_001413031.1 and 2 more transcripts); c.188-10C>T (NM_001413035.1, NM_001413040.1, NM_001413021.1 and 8 more transcripts); c.1163-10C>T (NM_001413017.1, NM_001413020.1); c.1259-10C>T (NM_001413039.1, NM_001413033.1, NM_001413018.1 and 2 more transcripts); c.-209-10C>T (NM_001413043.1).
Identifiers: ClinVar variation 2893429 (VCV002893429.3), dbSNP rs2130709211, ClinGen allele CA2718736890.

ClinVar aggregate classification (germline): Uncertain significance (1 of 4 stars; one submission).

Conditions:
Baller-Gerold syndrome (BGS). Also called: CRANIOSYNOSTOSIS WITH RADIAL DEFECTS. Identifiers: Orphanet 1225, MedGen C0265308, MONDO:0009039, OMIM 218600.

Submission:

Labcorp Genetics (formerly Invitae), Labcorp
Classification: Uncertain significance for Baller-Gerold syndrome. Last evaluated: 2023-04-28. Review status: criteria provided, single submitter. Criteria: Invitae Variant Classification Sherloc (09022015). Collection method: clinical testing. Allele origin: germline.
Comment: This variant has not been reported in the literature in individuals affected with RECQL4-related conditions. This sequence change falls in intron 6 of the RECQL4 gene. It does not directly change the encoded amino acid sequence of the RECQL4 protein. This variant is not present in population databases (gnomAD no frequency). Algorithms developed to predict the effect of sequence changes on RNA splicing suggest that this variant may disrupt the consensus splice site. In summary, the available evidence is currently insufficient to determine the role of this variant in disease. Therefore, it has been classified as a Variant of Uncertain Significance.